The following is an entry in ClinVar:

ClinVar aggregate classification (germline): Uncertain significance (1 of 4 stars; one submission).

Conditions:
Hereditary breast ovarian cancer syndrome. Also called: Hereditary breast and ovarian cancer syndrome; Breast and ovarian cancer; Hereditary breast and ovarian cancer syndrome (HBOC); Hereditary breast and ovarian cancer; BRCA1- and BRCA2-Associated Hereditary Breast and Ovarian Cancer; Hereditary breast and/or ovarian cancer syndrome. Identifiers: Orphanet 145, MedGen C0677776, MeSH D061325, MONDO:0003582. Disease mechanism: loss of function.

gnomAD v4.1: 5 of 152,088 alleles (0.0033%); highest among the groups gnomAD compares: African/African-American, 0.0048%; no homozygotes.

Submission:

Labcorp Genetics (formerly Invitae), Labcorp
Classification: Uncertain significance for Hereditary breast ovarian cancer syndrome. Last evaluated: 2025-12-19. Review status: criteria provided, single submitter. Criteria: Invitae Variant Classification Sherloc (09022015). Collection method: clinical testing. Allele origin: germline.
Comment: This sequence change falls in intron 8 of the BRCA1 gene. It does not directly change the encoded amino acid sequence of the BRCA1 protein. This variant is present in population databases (no rsID available, gnomAD 0.01%). This variant has not been reported in the literature in individuals affected with BRCA1-related conditions. Studies have shown that this variant is associated with altered splicing resulting in multiple RNA products (internal data). In summary, the available evidence is currently insufficient to determine the role of this variant in disease. Therefore, it has been classified as a Variant of Uncertain Significance.

NM_007294.4(BRCA1):c.593+186G>A

Gene: BRCA1 (BRCA1 DNA repair associated; minus strand). Cytogenetic location: 17q21.31.
Variant type: single nucleotide variant.
Coding change: c.593+186G>A on transcript NM_007294.4 (MANE Select); 186 bases into the intron after coding-DNA position 593, G replaced by A.
Molecular consequence: intron variant.
Genome position (GRCh38, 1-based): chr17:43,097,058, C>T on the plus strand (G>A on the coding strand, the complement: BRCA1 is on the minus strand). VCF-style: chr17-43097058-C-T. GRCh37 (hg19) VCF-style: chr17-41249075-C-T.
Other names: c.452+186G>A (NM_001408459.1, NM_001407945.1, NM_001407736.1 and 43 more transcripts); c.467-2198G>A (NM_001408475.1, NM_001407875.1, NM_001407874.1); c.512+186G>A (NM_001407659.1, NM_001407662.1, NM_001408416.1 and 3 more transcripts); c.515+186G>A (NM_001408412.1, NM_001407656.1, NM_001407657.1 and 9 more transcripts); c.335-2198G>A (NM_001408509.1, NM_001408508.1, NM_001407954.1 and 3 more transcripts); c.380+186G>A (NM_001408491.1, NM_001407918.1, NM_001407894.1 and 12 more transcripts); c.338-2198G>A (NM_001407957.1, NM_001407953.1, NM_001407949.1 and 7 more transcripts); c.383+186G>A (NM_001408506.1, NM_001408481.1, NM_001408480.1 and 27 more transcripts); and 17 more.
Identifiers: ClinVar variation 3607800 (VCV003607800.2).
Genomic context (GRCh38, chr17:43,097,058, plus strand): 5'-GGGAAGAGGGAGAAATTCAGAAAGAAAGCAAACAAAAAACTGTGGGGTATGCTTAGTACC[C>T]GGATGATGAAAAAAATCTATACACCAAATCCCAAGTCGTGTGTTTACCTATATAACAAAC-3'